The following is an entry in ClinVar:

ClinVar aggregate classification (germline): Uncertain significance (1 of 4 stars; one submission).

Conditions:
Pseudo-Hurler polydystrophy. Also called: ML III; ML III ALPHA/BETA; MUCOLIPIDOSIS IIIA; Type III Mucolipidosis; ML IIIA; Mucolipidosis III Alpha/Beta. Identifiers: Orphanet 423461, Orphanet 577, MedGen C0033788, MONDO:0018931, OMIM 252600.
Mucolipidosis type II. Also called: ML II ALPHA/BETA; Mucolipidosis 2; ML 2; Inclusion cell disease; Leroy Disease; N-acetylglucosamine 1phosphotransferase deficiency. Identifiers: Orphanet 576, MedGen C2673377, MONDO:0009650, OMIM 252500.

Allele frequency attached by ClinVar (database versions not stated): gnomAD exomes 0.00001 and below 0.00001; ExAC 0.00001.
gnomAD v4.1: 2 of 1,614,074 alleles (0.00012%); highest among the groups gnomAD compares: Admixed American, 0.0033%; no homozygotes.

Submission:

Labcorp Genetics (formerly Invitae), Labcorp
Classification: Uncertain significance for Pseudo-Hurler polydystrophy; Mucolipidosis type II. Last evaluated: 2021-10-14. Review status: criteria provided, single submitter. Criteria: Invitae Variant Classification Sherloc (09022015). Collection method: clinical testing. Allele origin: germline.
Comment: This sequence change replaces glycine with arginine at codon 490 of the GNPTAB protein (p.Gly490Arg). The glycine residue is highly conserved and there is a moderate physicochemical difference between glycine and arginine. This variant is present in population databases (rs751461873, ExAC 0.009%). This variant has not been reported in the literature in individuals affected with GNPTAB-related conditions. Algorithms developed to predict the effect of missense changes on protein structure and function are either unavailable or do not agree on the potential impact of this missense change (SIFT: "Deleterious"; PolyPhen-2: "Possibly Damaging"; Align-GVGD: "Class C0"). In summary, the available evidence is currently insufficient to determine the role of this variant in disease. Therefore, it has been classified as a Variant of Uncertain Significance.

NM_024312.5(GNPTAB):c.1468G>A (p.Gly490Arg)

Gene: GNPTAB (N-acetylglucosamine-1-phosphate transferase subunits alpha and beta; minus strand). Cytogenetic location: 12q23.2.
Variant type: single nucleotide variant.
Coding change: c.1468G>A on transcript NM_024312.5 (MANE Select); coding-DNA position 1468, G replaced by A.
Protein change: p.Gly490Arg; replaces glycine 490 with arginine.
Molecular consequence: missense variant.
Genome position (GRCh38, 1-based): chr12:101,766,235, C>T on the plus strand (G>A on the coding strand, the complement: GNPTAB is on the minus strand). VCF-style: chr12-101766235-C-T. GRCh37 (hg19) VCF-style: chr12-102160013-C-T.
Other names: short protein forms G490R.
Identifiers: ClinVar variation 1410717 (VCV001410717.5), dbSNP rs751461873, ClinGen allele CA6746603.